The following is an entry in ClinVar:

NM_020247.5(COQ8A):c.706A>G (p.Ser236Gly)

Gene: COQ8A (coenzyme Q8A; plus strand). Cytogenetic location: 1q42.13.
Variant type: single nucleotide variant.
Coding change: c.706A>G on transcript NM_020247.5 (MANE Select); coding-DNA position 706, A replaced by G.
Protein change: p.Ser236Gly; replaces serine 236 with glycine.
Molecular consequence: missense variant.
Genome position (GRCh38, 1-based): chr1:226,977,499, A>G. VCF-style: chr1-226977499-A-G. GRCh37 (hg19) VCF-style: chr1-227165200-A-G.
Other names: short protein forms S236G.
Identifiers: ClinVar variation 1924916 (VCV001924916.5), dbSNP rs1279818908, ClinGen allele CA345051217.

ClinVar aggregate classification (germline): Uncertain significance (1 of 4 stars; one submission).

Allele frequency attached by ClinVar (database versions not stated): gnomAD exomes below 0.00001; TOPMed below 0.00001.
gnomAD v4.1: 1 of 1,566,074 alleles (0.000064%); highest among the groups gnomAD compares: African/African-American, 0.0013%; no homozygotes.

Submission:

Labcorp Genetics (formerly Invitae), Labcorp
Classification: Uncertain significance. Last evaluated: 2022-04-10. Review status: criteria provided, single submitter. Criteria: Invitae Variant Classification Sherloc (09022015). Collection method: clinical testing. Allele origin: germline.
Comment: This variant has not been reported in the literature in individuals affected with COQ8A-related conditions. This sequence change replaces serine, which is neutral and polar, with glycine, which is neutral and non-polar, at codon 236 of the COQ8A protein (p.Ser236Gly). This variant is present in population databases (no rsID available, gnomAD 0.01%). Advanced modeling of protein sequence and biophysical properties (such as structural, functional, and spatial information, amino acid conservation, physicochemical variation, residue mobility, and thermodynamic stability) performed at Invitae indicates that this missense variant is not expected to disrupt COQ8A protein function. In summary, the available evidence is currently insufficient to determine the role of this variant in disease. Therefore, it has been classified as a Variant of Uncertain Significance.